The following is an entry in ClinVar:

ClinVar aggregate classification (germline): Pathogenic. Review status: reviewed by expert panel (3 of 4 stars). 11 submissions from 10 submitters: Pathogenic (1). 10 of the submissions do not count toward it. Last evaluated 2017-03-17.

Conditions:
CFTR-related disorder (CFTR-RD). Also called: CFTR-related disorders; CFTR-related condition. Identifiers: MedGen C5924204, MONDO:7770004.
Cystic fibrosis (CF). Also called: MUCOVISCIDOSIS. Identifiers: Orphanet 586, MedGen C0010674, MONDO:0009061, OMIM 219700. Disease mechanism: loss of function.
Congenital bilateral aplasia of vas deferens from CFTR mutation (CBAVD). Identifiers: Orphanet 48, MedGen C0403814, MONDO:0010178, OMIM 277180. Disease mechanism: loss of function.
Bronchiectasis with or without elevated sweat chloride 1 (BESC1). Also called: Cystic Fibrosis-Like Syndrome. Identifiers: Orphanet 60033, MedGen C2749757, MONDO:0008887, OMIM 211400.

Submissions (11):

CFTR2
Classification: Pathogenic for Cystic fibrosis. Last evaluated: 2017-03-17. Review status: reviewed by expert panel. Criteria: Sosnay PR et al. (Nat Genet 2013). Collection method: research. Allele origin: germline. Affected: yes. Study: CFTR2.

Natera, Inc.
Classification: Pathogenic for CFTR-related disorders. Last evaluated: 2026-01-14. Review status: criteria provided, single submitter. Criteria: Natera Variant Classification Schema (03/2026). Collection method: clinical testing. Allele origin: germline. Not counted in ClinVar's aggregate classification.
Comment: The c.1340delA variant in CFTR is a frameshift variant predicted to shift the reading frame beginning at codon 447 and leads to a stop codon 2 codons downstream. This variant is expected to result in nonsense mediated decay, truncation, or a dysfunctional protein product. This variant is rare in the general population with a frequency below the threshold expected for the associated phenotype(s). This variant has been observed in one or more individuals affected with the associated recessive disease, as either homozygous or compound heterozygous with a second variant (PMID: 34086412). Given the available evidence, this variant is classified as Pathogenic.

Labcorp Genetics (formerly Invitae), Labcorp
Classification: Pathogenic for Cystic fibrosis. Last evaluated: 2025-12-16. Review status: criteria provided, single submitter. Criteria: Invitae Variant Classification Sherloc (09022015). Collection method: clinical testing. Allele origin: germline. Not counted in ClinVar's aggregate classification.
Comment: This sequence change creates a premature translational stop signal (p.Lys447Argfs*2) in the CFTR gene. It is expected to result in an absent or disrupted protein product. Loss-of-function variants in CFTR are known to be pathogenic (PMID: 1695717, 7691345, 9725922). The frequency data for this variant in the population databases is considered unreliable, as metrics indicate poor data quality at this position in the gnomAD database. This premature translational stop signal has been observed in individual(s) with cystic fibrosis (PMID: 19447078, 23974870, 26574590). ClinVar contains an entry for this variant (Variation ID: 53233). Algorithms developed to predict the effect of sequence changes on RNA splicing suggest that this variant may disrupt the consensus splice site. For these reasons, this variant has been classified as Pathogenic.

Otogenetics
Classification: Pathogenic for Cystic fibrosis; Congenital bilateral aplasia of vas deferens from CFTR mutation. Last evaluated: 2025-10-03. Review status: criteria provided, single submitter. Criteria: ACMG Guidelines, 2015. Collection method: clinical testing. Allele origin: germline. Not counted in ClinVar's aggregate classification.
Comment: PVS1: Frameshift indel introduces premature stop codon in gene with loss of function as mechanism of disease, predicted to undergo NMD; PM2: Maximum gnomAD MAF of 0.0009% in European-Non Finnish (NFE) subpopulation (<0.296% threshold); PM3: Variant reported in trans with another pathogenic variant in one patient affected with CFTR-related disorders (PMID: 19447078)

Ambry Genetics
Classification: Pathogenic for Cystic fibrosis. Last evaluated: 2025-08-25. Review status: criteria provided, single submitter. Criteria: Ambry Variant Classification Scheme 2023. Collection method: clinical testing. Allele origin: germline. Not counted in ClinVar's aggregate classification.
Comment: The c.1340delA pathogenic mutation, located in coding exon 10 of the CFTR gene, results from a deletion of one nucleotide at nucleotide position 1340, causing a translational frameshift with a predicted alternate stop codon (p.K447Rfs*2). This alteration has been identified in multiple individuals with cystic fibrosis with a second CFTR variant (Andrew et al. Cystic Fibrosis Mutation Database [database online] Toronto, ON, Canada: SickKids;1999; Mott LS et al. J Cyst Fibros, 2009 Jul;8:285-7). In another study, this mutation was identified in 2 affected individuals in a cohort study of Celtic origin. Individuals in the cohort had a sweat chloride test result above 60 mmol/L and/or Pseudomonas colonization of the lungs (Scotet V et al. Human Mutat. 2003;22(1):105). This variant is considered to be rare based on population cohorts in the Genome Aggregation Database (gnomAD). This alteration is expected to result in loss of function by premature protein truncation or nonsense-mediated mRNA decay. Based on the supporting evidence, this variant is interpreted as a disease-causing mutation.

Baylor Genetics
Classification: Pathogenic for Bronchiectasis with or without elevated sweat chloride 1. Last evaluated: 2023-10-12. Review status: criteria provided, single submitter. Criteria: ACMG Guidelines, 2015. Collection method: clinical testing. Allele origin: unknown. Not counted in ClinVar's aggregate classification.

Johns Hopkins Genomics, Johns Hopkins University
Classification: Pathogenic for Cystic fibrosis. Last evaluated: 2019-12-17. Review status: criteria provided, single submitter. Criteria: ACMG Guidelines, 2015. Collection method: clinical testing. Allele origin: germline. Not counted in ClinVar's aggregate classification.
Comment: Previously reported disease-causing CFTR variant. See CFTR2 for phenotype information.

ARUP Laboratories, Molecular Genetics and Genomics, ARUP Laboratories
Classification: Pathogenic. Last evaluated: 2019-06-19. Review status: criteria provided, single submitter. Criteria: ARUP Molecular Germline Variant Investigation Process. Collection method: clinical testing. Allele origin: germline. Not counted in ClinVar's aggregate classification.
Comment: The CFTR c.1340delA; p.Lys447fs variant (rs397508192) is reported in the literature in multiple individuals affected with cystic fibrosis (Mott 2009, CFTR2 database). At least one affected individual with this variant was observed to carry a second pathogenic CFTR variant (Mott 2009). This variant is found on a single chromosome (1/242968 alleles) in the Genome Aggregation Database, indicating it is not a common polymorphism. This variant causes a frameshift by deleting a single nucleotide, so it is predicted to result in a truncated protein or mRNA subject to nonsense-mediated decay. Based on available information, this variant is considered to be pathogenic. References: CFTR2 database: Mott LS et al. Bronchiectasis in an asymptomatic infant with cystic fibrosis diagnosed following newborn screening. J Cyst Fibros. 2009 Jul;8(4):285-7.

Women's Health and Genetics/Laboratory Corporation of America, LabCorp
Classification: Pathogenic for Cystic fibrosis. Last evaluated: 2016-01-18. Review status: criteria provided, single submitter. Criteria: LabCorp Variant Classification Summary - May 2015. Collection method: clinical testing. Allele origin: germline. Not counted in ClinVar's aggregate classification.

Baylor Genetics
Classification: Pathogenic for Congenital bilateral aplasia of vas deferens from CFTR mutation; Cystic fibrosis. Review status: criteria provided, single submitter. Criteria: ACMG Guidelines, 2015. Collection method: clinical testing. Allele origin: germline. Not counted in ClinVar's aggregate classification.

Counsyl
Classification: Pathogenic for Cystic fibrosis. Last evaluated: 2016-03-14. Review status: no assertion criteria provided. Collection method: clinical testing. Allele origin: unknown. Not counted in ClinVar's aggregate classification.

Literature cited by the submitters: PubMed 34086412 (cited by Natera, Inc.); PubMed 1695717 (cited by Labcorp Genetics (formerly Invitae), Labcorp); PubMed 7691345 (cited by Labcorp Genetics (formerly Invitae), Labcorp); PubMed 9725922 (cited by Labcorp Genetics (formerly Invitae), Labcorp); PubMed 19447078 (cited by 4 submitters); PubMed 23974870 (cited by Labcorp Genetics (formerly Invitae), Labcorp); PubMed 26574590 (cited by Labcorp Genetics (formerly Invitae), Labcorp and Women's Health and Genetics/Laboratory Corporation of America, LabCorp).

NM_000492.4(CFTR):c.1340del (p.Lys447fs)

Genes: CFTR-AS1 (CFTR antisense RNA 1; minus strand), CFTR (CF transmembrane conductance regulator; plus strand). Cytogenetic location: 7q31.2.
Variant type: Deletion.
Coding change: c.1340del on transcript NM_000492.4 (MANE Select); coding-DNA position 1340, one base deleted (A; older notation c.1340delA).
Protein change: p.Lys447fs; shifts the reading frame from lysine 447.
Molecular consequence: frameshift variant.
Genome position (GRCh38, 1-based): chr7:117,548,771, A deleted; the last of 2 consecutive A bases (chr7:117,548,770-117,548,771); deleting either gives the same sequence. VCF-style (leftmost placement, unchanged base first): chr7-117548769-CA-C. GRCh37 (hg19) VCF-style: chr7-117188823-CA-C.
Other names: 1471delA; c.1340delA (NM_000492.4, NM_000492.3); short protein forms K447fs.
Identifiers: ClinVar variation 53233 (VCV000053233.26), dbSNP rs397508192, ClinGen allele CA326457.
Genomic context (GRCh38, chr7:117,548,769, plus strand): 5'-CAGCCTCTTCTTCAGTAATTTCTCACTTCTTGGTACTCCTGTCCTGAAAGATATTAATTT[CA>C]AGATAGAAAGAGGACAGTTGTTGGCGGTTGCTGGATCCACTGGAGCAGGCAAGGTAGTTC-3'